The following is an entry in ClinVar:

ClinVar aggregate classification (germline): Uncertain significance. Review status: criteria provided, multiple submitters, no conflicts (2 of 4 stars). 2 submissions from 2 submitters: Uncertain significance (2). Last evaluated 2024-12-17.

Conditions:
Inborn genetic diseases. Identifiers: MedGen C0950123, MeSH D030342.
Fanconi anemia (FA). Also called: Fanconi's anemia. Identifiers: Orphanet 84, MedGen C0015625, MeSH D005199, MONDO:0019391.

Allele frequency attached by ClinVar (database versions not stated): gnomAD 0.00001.

Submissions (2):

Ambry Genetics
Classification: Uncertain significance for Inborn genetic diseases. Last evaluated: 2024-12-17. Review status: criteria provided, single submitter. Criteria: Ambry Variant Classification Scheme 2023. Collection method: clinical testing. Allele origin: germline.
Comment: The p.R100W variant (also known as c.298C>T), located in coding exon 1 of the FANCM gene, results from a C to T substitution at nucleotide position 298. The arginine at codon 100 is replaced by tryptophan, an amino acid with dissimilar properties. This amino acid position is conserved. In addition, this alteration is predicted to be tolerated by in silico analysis. Based on the available evidence, the clinical significance of this variant remains unclear.

Labcorp Genetics (formerly Invitae), Labcorp
Classification: Uncertain significance for Fanconi anemia. Last evaluated: 2024-03-09. Review status: criteria provided, single submitter. Criteria: Invitae Variant Classification Sherloc (09022015). Collection method: clinical testing. Allele origin: germline.
Comment: This sequence change replaces arginine, which is basic and polar, with tryptophan, which is neutral and slightly polar, at codon 100 of the FANCM protein (p.Arg100Trp). This variant is not present in population databases (gnomAD no frequency). This variant has not been reported in the literature in individuals affected with FANCM-related conditions. ClinVar contains an entry for this variant (Variation ID: 1009031). An algorithm developed to predict the effect of missense changes on protein structure and function (PolyPhen-2) suggests that this variant is likely to be disruptive. In summary, the available evidence is currently insufficient to determine the role of this variant in disease. Therefore, it has been classified as a Variant of Uncertain Significance.

NM_020937.4(FANCM):c.298C>T (p.Arg100Trp)

Gene: FANCM (FA complementation group M; plus strand). Cytogenetic location: 14q21.2.
Variant type: single nucleotide variant.
Coding change: c.298C>T on transcript NM_020937.4 (MANE Select); coding-DNA position 298, C replaced by T.
Protein change: p.Arg100Trp; replaces arginine 100 with tryptophan.
Molecular consequence: missense variant.
Genome position (GRCh38, 1-based): chr14:45,136,329, C>T. VCF-style: chr14-45136329-C-T. GRCh37 (hg19) VCF-style: chr14-45605532-C-T.
Other names: c.298C>T, p.Arg100Trp (NM_001308133.2, NM_001308134.2); c.298C>T (NM_020937.2); short protein forms R100W.
Identifiers: ClinVar variation 1009031 (VCV001009031.9), dbSNP rs1438436722, ClinGen allele CA389587785.